The following is an entry in ClinVar:

NM_006904.7(PRKDC):c.10589T>G (p.Val3530Gly)

Gene: PRKDC (protein kinase, DNA-activated, catalytic subunit; minus strand). Cytogenetic location: 8q11.21.
Variant type: single nucleotide variant.
Coding change: c.10589T>G on transcript NM_006904.7 (MANE Select); coding-DNA position 10589, T replaced by G.
Protein change: p.Val3530Gly; replaces valine 3530 with glycine.
Molecular consequence: missense variant.
Genome position (GRCh38, 1-based): chr8:47,794,371, A>C on the plus strand (T>G on the coding strand, the complement: PRKDC is on the minus strand). VCF-style: chr8-47794371-A-C. GRCh37 (hg19) VCF-style: chr8-48706932-A-C.
Other names: c.10589T>G, p.Val3530Gly (NM_001081640.2); short protein forms V3530G.
Identifiers: ClinVar variation 3225706 (VCV003225706.1), dbSNP rs2551862008, ClinGen allele CA371133835.

ClinVar aggregate classification (germline): Uncertain significance (1 of 4 stars; one submission).

Submission:

Ambry Genetics
Classification: Uncertain significance. Last evaluated: 2023-11-03. Review status: criteria provided, single submitter. Criteria: Ambry Variant Classification Scheme 2023. Collection method: clinical testing. Allele origin: germline.
Comment: The p.V3530G variant (also known as c.10589T>G), located in coding exon 74 of the PRKDC gene, results from a T to G substitution at nucleotide position 10589. The valine at codon 3530 is replaced by glycine, an amino acid with dissimilar properties. This amino acid position is conserved. Since supporting evidence is limited at this time, the clinical significance of this alteration remains unclear.